The following is an entry in ClinVar:

ClinVar aggregate classification (germline): Uncertain significance (0 of 4 stars; one submission).

Conditions:
DMRT2-related disorder. Also called: DMRT2-related condition.

gnomAD v4.1: 17 of 1,614,166 alleles (0.0011%); highest among the groups gnomAD compares: South Asian, 0.019%; no homozygotes.

Submission:

PreventionGenetics, part of Exact Sciences
Classification: Uncertain significance for DMRT2-related condition. Last evaluated: 2024-02-27. Review status: no assertion criteria provided. Collection method: clinical testing. Allele origin: germline.
Comment: The DMRT2 c.856G>C variant is predicted to result in the amino acid substitution p.Ala286Pro. To our knowledge, this variant has not been reported in the literature. This variant is reported in 0.026% of alleles in individuals of South Asian descent in gnomAD. At this time, the clinical significance of this variant is uncertain due to the absence of conclusive functional and genetic evidence.

NM_181872.6(DMRT2):c.856G>C (p.Ala286Pro)

Gene: DMRT2 (doublesex and mab-3 related transcription factor 2; plus strand). Cytogenetic location: 9p24.3.
Variant type: single nucleotide variant.
Coding change: c.856G>C on transcript NM_181872.6 (MANE Select); coding-DNA position 856, G replaced by C.
Protein change: p.Ala286Pro; replaces alanine 286 with proline.
Molecular consequence: missense variant. On other transcripts: 3 prime UTR variant (4), non-coding transcript variant (1).
Genome position (GRCh38, 1-based): chr9:1,056,443, G>C. VCF-style: chr9-1056443-G-C. GRCh37 (hg19) VCF-style: chr9-1056443-G-C.
Other names: c.*253G>C (NM_001130865.3, NM_001370533.1, NM_001387557.1); c.334G>C, p.Ala112Pro (NM_001370532.1); c.856G>C, p.Ala286Pro (NM_001387558.1, NM_001387559.1); c.157G>C, p.Ala53Pro (NM_001387560.1); c.*669G>C (NM_006557.7); short protein forms A112P, A286P, A53P.
Identifiers: ClinVar variation 3029084 (VCV003029084.2), dbSNP rs749118381, ClinGen allele CA4962473.